The following is an entry in ClinVar:

ClinVar aggregate classification (germline): Pathogenic (1 of 4 stars; one submission).

Conditions:
Neurometabolic disorder due to serine deficiency. Identifiers: Orphanet 35705, MedGen C5680148, MONDO:0018162.

Submission:

Myriad Genetics, Inc.
Classification: Pathogenic for Neurometabolic disorder due to serine deficiency. Last evaluated: 2024-05-14. Review status: criteria provided, single submitter. Criteria: Myriad Autosomal Dominant, Autosomal Recessive and X-Linked Classification Criteria (2023). Collection method: clinical testing. Allele origin: unknown.
Comment: NM_006623.3(PHGDH):c.871_872ins17(A291Gfs*23) is expected to be pathogenic in the context of serine deficiency disorder, PHGDH-related. This variant is predicted to lead to an abnormal or absent protein product due to the creation of a premature termination codon in PHGDH, a gene where loss-of-function variants are known to be pathogenic. Please note: this variant was assessed in the context of healthy population screening.

NM_006623.4(PHGDH):c.871_872insGGACAGCTGATGACATT (p.Ala291fs)

Gene: PHGDH (phosphoglycerate dehydrogenase; plus strand). Cytogenetic location: 1p12.
Variant type: Insertion.
Coding change: c.871_872insGGACAGCTGATGACATT on transcript NM_006623.4 (MANE Select); coding-DNA positions 871 to 872, GGACAGCTGATGACATT inserted.
Protein change: p.Ala291fs; shifts the reading frame from alanine 291.
Molecular consequence: frameshift variant.
Genome position: GRCh38 VCF-style: chr1-119737192-G-GGGACAGCTGATGACATT. GRCh37 (hg19) VCF-style: chr1-120279815-G-GGGACAGCTGATGACATT.
Other names: short protein forms A291fs.
Identifiers: ClinVar variation 5010794 (VCV005010794.1).